The following is an entry in ClinVar:

NM_000426.4(LAMA2):c.4075A>T (p.Met1359Leu)

Gene: LAMA2 (laminin subunit alpha 2; plus strand). Cytogenetic location: 6q22.33.
Variant type: single nucleotide variant.
Coding change: c.4075A>T on transcript NM_000426.4 (MANE Select); coding-DNA position 4075, A replaced by T.
Protein change: p.Met1359Leu; replaces methionine 1359 with leucine.
Molecular consequence: missense variant.
Genome position (GRCh38, 1-based): chr6:129,320,554, A>T. VCF-style: chr6-129320554-A-T. GRCh37 (hg19) VCF-style: chr6-129641699-A-T.
Other names: c.4075A>T, p.Met1359Leu (NM_001079823.2); short protein forms M1359L.
Identifiers: ClinVar variation 477468 (VCV000477468.3), dbSNP rs749372185, ClinGen allele CA365612505.

ClinVar aggregate classification (germline): Uncertain significance (1 of 4 stars; one submission).

Conditions:
LAMA2-related muscular dystrophy (LAMA2-RD). Also called: Laminin alpha 2-related dystrophy. Identifiers: MedGen C5679788, MONDO:0100228.

Submission:

Labcorp Genetics (formerly Invitae), Labcorp
Classification: Uncertain significance for LAMA2-related muscular dystrophy. Last evaluated: 2022-03-09. Review status: criteria provided, single submitter. Criteria: Invitae Variant Classification Sherloc (09022015). Collection method: clinical testing. Allele origin: germline.
Comment: This sequence change replaces methionine, which is neutral and non-polar, with leucine, which is neutral and non-polar, at codon 1359 of the LAMA2 protein (p.Met1359Leu). This variant is present in population databases (no rsID available, gnomAD 0.0009%). This variant has not been reported in the literature in individuals affected with LAMA2-related conditions. ClinVar contains an entry for this variant (Variation ID: 477468). Advanced modeling of protein sequence and biophysical properties (such as structural, functional, and spatial information, amino acid conservation, physicochemical variation, residue mobility, and thermodynamic stability) performed at Invitae indicates that this missense variant is not expected to disrupt LAMA2 protein function. In summary, the available evidence is currently insufficient to determine the role of this variant in disease. Therefore, it has been classified as a Variant of Uncertain Significance.